The following is an entry in ClinVar:

NM_004183.4(BEST1):c.991C>T (p.Arg331Trp)

Gene: BEST1 (bestrophin 1; plus strand). Cytogenetic location: 11q12.3.
Variant type: single nucleotide variant.
Coding change: c.991C>T on transcript NM_004183.4 (MANE Select); coding-DNA position 991, C replaced by T.
Protein change: p.Arg331Trp; replaces arginine 331 with tryptophan.
Molecular consequence: missense variant. On other transcripts: synonymous variant (1), non-coding transcript variant (1).
Genome position (GRCh38, 1-based): chr11:61,959,934, C>T. VCF-style: chr11-61959934-C-T. GRCh37 (hg19) VCF-style: chr11-61727406-C-T.
Other names: c.811C>T, p.Arg271Trp (NM_001139443.3, NM_001300787.2); c.730C>T, p.Arg244Trp (NM_001300786.2); c.673C>T, p.Arg225Trp (NM_001363591.3); c.1194C>T, p.Leu398= (NM_001363592.2); c.19C>T, p.Arg7Trp (NM_001363593.3); short protein forms R225W, R271W, R7W, R244W, R331W.
Identifiers: ClinVar variation 878590 (VCV000878590.15), dbSNP rs757536535, ClinGen allele CA6040962.

ClinVar aggregate classification (germline): Conflicting classifications of pathogenicity. Review status: criteria provided, conflicting classifications (1 of 4 stars). 6 submissions from 4 submitters: Uncertain significance (5); Benign (1). Last evaluated 2025-10-19.

Conditions:
Vitelliform macular dystrophy 2. Also called: Best Vitelliform Macular Dystrophy (BVMD); MACULAR DEGENERATION, POLYMORPHIC VITELLINE; VITELLIFORM MACULAR DYSTROPHY, EARLY-ONSET; VITELLIFORM MACULAR DYSTROPHY, JUVENILE-ONSET; Best Macular Dystrophy; Best vitelliform macular dystrophy, multifocal. Identifiers: Orphanet 1243, MedGen C2745945, MONDO:0007931, OMIM 153700.
Retinitis pigmentosa (RP). Identifiers: Orphanet 791, MedGen C0035334, MeSH D012174, MONDO:0019200, OMIM 268000. Inheritance: Autosomal dominant, autosomal recessive and X linked inheritance.
Autosomal dominant vitreoretinochoroidopathy. Also called: VITREORETINOCHOROIDOPATHY, AUTOSOMAL DOMINANT, WITH NANOPHTHALMOS; Autosomal Dominant Vitreoretinochoroidopathy (ADVIRC); VITREORETINOCHOROIDOPATHY WITH MICROCORNEA, GLAUCOMA, AND CATARACT. Identifiers: Orphanet 263347, Orphanet 3086, MedGen C3888099, MONDO:0008662, OMIM 193220.

Allele frequency attached by ClinVar (database versions not stated): gnomAD exomes 0.00001 and 0.00002; ExAC 0.00003; gnomAD 0.00003; TOPMed 0.00003.
gnomAD v4.1: 28 of 1,613,148 alleles (0.0017%); highest among the groups gnomAD compares: Admixed American, 0.0083%; no homozygotes.

Submissions (6):

Labcorp Genetics (formerly Invitae), Labcorp
Classification: Uncertain significance. Last evaluated: 2025-10-19. Review status: criteria provided, single submitter. Criteria: Invitae Variant Classification Sherloc (09022015). Collection method: clinical testing. Allele origin: germline.
Comment: This sequence change replaces arginine, which is basic and polar, with tryptophan, which is neutral and slightly polar, at codon 331 of the BEST1 protein (p.Arg331Trp). This variant is present in population databases (rs757536535, gnomAD 0.006%). This variant has not been reported in the literature in individuals affected with BEST1-related conditions. ClinVar contains an entry for this variant (Variation ID: 878590). Invitae Evidence Modeling of protein sequence and biophysical properties (such as structural, functional, and spatial information, amino acid conservation, physicochemical variation, residue mobility, and thermodynamic stability) has been performed for this missense variant. However, the output from this modeling did not meet the statistical confidence thresholds required to predict the impact of this variant on BEST1 protein function. In summary, the available evidence is currently insufficient to determine the role of this variant in disease. Therefore, it has been classified as a Variant of Uncertain Significance.

MGZ Medical Genetics Center
Classification: Uncertain significance for Vitelliform macular dystrophy 2. Last evaluated: 2022-08-22. Review status: criteria provided, single submitter. Criteria: ACMG Guidelines, 2015. Collection method: clinical testing. Allele origin: germline. Affected: yes. Observed: 1 variant allele.
Comment: ACMG criteria applied: PM2_SUP, PP3

Blueprint Genetics
Classification: Uncertain significance. Last evaluated: 2022-06-10. Review status: criteria provided, single submitter. Criteria: ACMG Guidelines, 2015. Collection method: clinical testing. Allele origin: germline.

Illumina Laboratory Services, Illumina
Classification: Benign for Autosomal dominant vitreoretinochoroidopathy. Last evaluated: 2018-01-13. Review status: criteria provided, single submitter. Criteria: ICSL Variant Classification Criteria 13 December 2019. Collection method: clinical testing. Allele origin: germline.
Comment: This variant was observed in the ICSL laboratory as part of a predisposition screen in an ostensibly healthy population. It had not been previously curated by ICSL or reported in the Human Gene Mutation Database (HGMD: prior to June 1st, 2018), and was therefore a candidate for classification through an automated scoring system. Utilizing variant allele frequency, disease prevalence and penetrance estimates, and inheritance mode, an automated score was calculated to assess if this variant is too frequent to cause the disease. Based on the score and internal cut-off values, a variant classified as benign is not then subjected to further curation. The score for this variant resulted in a classification of benign for this disease.

Illumina Laboratory Services, Illumina
Classification: Uncertain significance for Vitelliform macular dystrophy 2. Last evaluated: 2018-01-13. Review status: criteria provided, single submitter. Criteria: ICSL Variant Classification Criteria 13 December 2019. Collection method: clinical testing. Allele origin: germline.

Illumina Laboratory Services, Illumina
Classification: Uncertain significance for Retinitis pigmentosa. Last evaluated: 2018-01-13. Review status: criteria provided, single submitter. Criteria: ICSL Variant Classification Criteria 13 December 2019. Collection method: clinical testing. Allele origin: germline.